The following is an entry in ClinVar:

ClinVar aggregate classification (germline): Pathogenic. Review status: criteria provided, multiple submitters, no conflicts (2 of 4 stars). 3 submissions from 3 submitters: Pathogenic (3). Last evaluated 2025-09-30.

Conditions:
Autosomal recessive early-onset Parkinson disease 23. Identifiers: Orphanet 2828, MedGen C4225186, MONDO:0014796, OMIM 616840.

Submissions (3):

Women's Health and Genetics/Laboratory Corporation of America, LabCorp
Classification: Pathogenic for Autosomal recessive early-onset Parkinson disease 23. Last evaluated: 2025-09-30. Review status: criteria provided, single submitter. Criteria: LabCorp Variant Classification Summary - May 2015. Collection method: clinical testing. Allele origin: germline.
Comment: Variant summary: VPS13C c.10060G>T (p.Glu3354X) results in a premature termination codon, predicted to cause a truncation of the encoded protein or absence of the protein due to nonsense mediated decay, which are commonly known mechanisms for disease. The frequency data for this variant in gnomAD is considered unreliable, as metrics indicate poor data quality at this position. To our knowledge, no occurrence of c.10060G>T in individuals affected with VPS13C-related conditions and no experimental evidence demonstrating its impact on protein function have been reported. ClinVar contains an entry for this variant (Variation ID: 1323753). Based on the evidence outlined above, the variant was classified as pathogenic.

Labcorp Genetics (formerly Invitae), Labcorp
Classification: Pathogenic. Last evaluated: 2025-06-12. Review status: criteria provided, single submitter. Criteria: Invitae Variant Classification Sherloc (09022015). Collection method: clinical testing. Allele origin: germline.
Comment: This sequence change creates a premature translational stop signal (p.Glu3354*) in the VPS13C gene. It is expected to result in an absent or disrupted protein product. Loss-of-function variants in VPS13C are known to be pathogenic (PMID: 26942284, 34875562). This variant is not present in population databases (gnomAD no frequency). This variant has not been reported in the literature in individuals affected with VPS13C-related conditions. ClinVar contains an entry for this variant (Variation ID: 1323753). Algorithms developed to predict the effect of sequence changes on RNA splicing suggest that this variant may disrupt the consensus splice site. For these reasons, this variant has been classified as Pathogenic.

Revvity Omics, Revvity
Classification: Pathogenic for Autosomal recessive early-onset Parkinson disease 23. Last evaluated: 2019-10-11. Review status: criteria provided, single submitter. Criteria: ACMG Guidelines, 2015. Collection method: clinical testing. Allele origin: germline.

Literature cited by the submitters: PubMed 26942284 (cited by Labcorp Genetics (formerly Invitae), Labcorp); PubMed 34875562 (cited by Labcorp Genetics (formerly Invitae), Labcorp).

NM_020821.3(VPS13C):c.10060G>T (p.Glu3354Ter)

Gene: VPS13C (vacuolar protein sorting 13 homolog C; minus strand). Cytogenetic location: 15q22.2.
Variant type: single nucleotide variant.
Coding change: c.10060G>T on transcript NM_020821.3 (MANE Select); coding-DNA position 10060, G replaced by T.
Protein change: p.Glu3354Ter; replaces glutamic acid 3354 with a stop codon.
Molecular consequence: nonsense.
Genome position (GRCh38, 1-based): chr15:61,878,689, C>A on the plus strand (G>T on the coding strand, the complement: VPS13C is on the minus strand). VCF-style: chr15-61878689-C-A. GRCh37 (hg19) VCF-style: chr15-62170888-C-A.
Other names: c.10060G>T, p.Glu3354Ter (NM_001018088.3); c.9931G>T, p.Glu3311Ter (NM_017684.5, NM_018080.4); short protein forms E3311*, E3354*.
Identifiers: ClinVar variation 1323753 (VCV001323753.7), dbSNP rs199723460, ClinGen allele CA392672175.